The following is an entry in ClinVar:

NM_024496.4(IRF2BPL):c.1787del (p.Pro596fs)

Gene: IRF2BPL (interferon regulatory factor 2 binding protein like; minus strand). Cytogenetic location: 14q24.3.
Variant type: Deletion.
Coding change: c.1787del on transcript NM_024496.4 (MANE Select); coding-DNA position 1787, one base deleted (C; older notation c.1787delC).
Protein change: p.Pro596fs; shifts the reading frame from proline 596.
Molecular consequence: frameshift variant.
Genome position (GRCh38, 1-based): chr14:77,026,006, G deleted on the plus strand (C on the coding strand, the reverse complement: IRF2BPL is on the minus strand); the first of 2 consecutive G bases (chr14:77,026,006-77,026,007); deleting either gives the same sequence. VCF-style (leftmost placement, unchanged base first): chr14-77026005-CG-C. GRCh37 (hg19) VCF-style: chr14-77492348-CG-C.
Other names: short protein forms P596fs.
Identifiers: ClinVar variation 4074734 (VCV004074734.1).

ClinVar aggregate classification (germline): Pathogenic (1 of 4 stars; one submission).

Conditions:
Neurodevelopmental disorder with regression, abnormal movements, loss of speech, and seizures. Identifiers: Orphanet 597623, MedGen C4748127, MONDO:0060759, OMIM 618088.

Submission:

Institute of Immunology and Genetics Kaiserslautern
Classification: Pathogenic for Neurodevelopmental disorder with regression, abnormal movements, loss of speech, and seizures. Last evaluated: 2025-06-04. Review status: criteria provided, single submitter. Criteria: ACMG Guidelines, 2015. Collection method: clinical testing. Allele origin: de novo. Affected: yes.
Comment: ACMG Criteria: PVS1, PS2, PM2; Variant was found in heterozygous state. De novo-status was confirmed via in-house segregation analysis.